The following is an entry in ClinVar:

NM_003072.5(SMARCA4):c.1813C>T (p.Pro605Ser)

Gene: SMARCA4 (SWI/SNF related BAF chromatin remodeling complex subunit ATPase 4; plus strand). Cytogenetic location: 19p13.2.
Variant type: single nucleotide variant.
Coding change: c.1813C>T on transcript NM_003072.5 (MANE Select); coding-DNA position 1813, C replaced by T.
Protein change: p.Pro605Ser; replaces proline 605 with serine.
Molecular consequence: missense variant. On other transcripts: non-coding transcript variant (1).
Genome position (GRCh38, 1-based): chr19:11,003,029, C>T. VCF-style: chr19-11003029-C-T. GRCh37 (hg19) VCF-style: chr19-11113705-C-T.
Other names: c.1813C>T, p.Pro605Ser (NM_001128844.3, NM_001128845.2, NM_001128846.2 and 5 more transcripts); short protein forms P605S.
Identifiers: ClinVar variation 484900 (VCV000484900.10), dbSNP rs1373012344, ClinGen allele CA404051383.

ClinVar aggregate classification (germline): Uncertain significance. Review status: criteria provided, multiple submitters, no conflicts (2 of 4 stars). 3 submissions from 3 submitters: Uncertain significance (3). Last evaluated 2025-10-01.

Conditions:
Hereditary cancer-predisposing syndrome. Also called: Neoplastic Syndromes, Hereditary; Tumor predisposition; Hereditary Cancer Syndrome; Hereditary neoplastic syndrome. Identifiers: Orphanet 140162, MedGen C0027672, MeSH D009386, MONDO:0015356.
Rhabdoid tumor predisposition syndrome 2 (RTPS2). Identifiers: Orphanet 231108, Orphanet 69077, MedGen C2750074, MONDO:0013224, OMIM 613325.

Allele frequency attached by ClinVar (database versions not stated): gnomAD exomes below 0.00001; TOPMed below 0.00001.
gnomAD v4.1: 1 of 1,614,138 alleles (0.000062%); highest among the groups gnomAD compares: Admixed American, 0.0017%; no homozygotes.

Submissions (3):

Labcorp Genetics (formerly Invitae), Labcorp
Classification: Uncertain significance for Rhabdoid tumor predisposition syndrome 2. Last evaluated: 2025-10-01. Review status: criteria provided, single submitter. Criteria: Invitae Variant Classification Sherloc (09022015). Collection method: clinical testing. Allele origin: germline.
Comment: This sequence change replaces proline, which is neutral and non-polar, with serine, which is neutral and polar, at codon 605 of the SMARCA4 protein (p.Pro605Ser). This variant is present in population databases (no rsID available, gnomAD 0.003%). This variant has not been reported in the literature in individuals affected with SMARCA4-related conditions. ClinVar contains an entry for this variant (Variation ID: 484900). An algorithm developed to predict the effect of missense changes on protein structure and function (PolyPhen-2) suggests that this variant is likely to be disruptive. In summary, the available evidence is currently insufficient to determine the role of this variant in disease. Therefore, it has been classified as a Variant of Uncertain Significance.

Ambry Genetics
Classification: Uncertain significance for Hereditary cancer-predisposing syndrome. Last evaluated: 2025-07-14. Review status: criteria provided, single submitter. Criteria: Ambry Variant Classification Scheme 2023. Collection method: clinical testing. Allele origin: germline.
Comment: The p.P605S variant (also known as c.1813C>T), located in coding exon 11 of the SMARCA4 gene, results from a C to T substitution at nucleotide position 1813. This variant impacts the first base pair of coding exon 11. The proline at codon 605 is replaced by serine, an amino acid with similar properties. This amino acid position is highly conserved in available vertebrate species. In addition, the in silico prediction for this alteration is inconclusive. Based on the available evidence, the clinical significance of this variant remains unclear.

GeneDx
Classification: Uncertain significance. Last evaluated: 2024-05-20. Review status: criteria provided, single submitter. Criteria: GeneDx Variant Classification Process June 2021. Collection method: clinical testing. Allele origin: germline. Affected: yes.
Comment: In silico analysis indicates that this missense variant does not alter protein structure/function; Has not been previously published as pathogenic or benign to our knowledge